The following is an entry in ClinVar:

ClinVar aggregate classification (germline): Uncertain significance. Review status: criteria provided, multiple submitters, no conflicts (2 of 4 stars). 4 submissions from 4 submitters: Uncertain significance (3). 1 of the submissions does not count toward it. Last evaluated 2023-11-24.

Conditions:
Short-rib thoracic dysplasia 10 with or without polydactyly (SRTD10). Identifiers: Orphanet 474, MedGen C3810175, MONDO:0014284, OMIM 615630.
Bardet-Biedl syndrome 20. Identifiers: MedGen C4310707, MONDO:0023670, OMIM 619471, MONDO:0014926.
Retinitis pigmentosa 71 (RP71). Identifiers: Orphanet 791, MedGen C4225342, MONDO:0014618, OMIM 616394.
IFT172-related disorder. Also called: IFT172-related disorders; IFT172-related condition.

Allele frequency attached by ClinVar (database versions not stated): ExAC 0.00001; gnomAD exomes 0.00001; TOPMed 0.00002; gnomAD 0.00004.
gnomAD v4.1: 38 of 1,614,134 alleles (0.0024%); highest among the groups gnomAD compares: Middle Eastern, 0.016%; no homozygotes.

Submissions (4):

Blueprint Genetics
Classification: Uncertain significance. Last evaluated: 2023-11-24. Review status: criteria provided, single submitter. Criteria: ACMG Guidelines, 2015. Collection method: clinical testing. Allele origin: germline.

Labcorp Genetics (formerly Invitae), Labcorp
Classification: Uncertain significance for Retinitis pigmentosa 71; Short-rib thoracic dysplasia 10 with or without polydactyly. Last evaluated: 2022-08-05. Review status: criteria provided, single submitter. Criteria: Invitae Variant Classification Sherloc (09022015). Collection method: clinical testing. Allele origin: germline.
Comment: This sequence change replaces arginine, which is basic and polar, with tryptophan, which is neutral and slightly polar, at codon 940 of the IFT172 protein (p.Arg940Trp). This variant is present in population databases (rs760316903, gnomAD 0.01%). This variant has not been reported in the literature in individuals affected with IFT172-related conditions. ClinVar contains an entry for this variant (Variation ID: 938752). Algorithms developed to predict the effect of missense changes on protein structure and function are either unavailable or do not agree on the potential impact of this missense change (SIFT: "Deleterious"; PolyPhen-2: "Benign"; Align-GVGD: "Class C0"). In summary, the available evidence is currently insufficient to determine the role of this variant in disease. Therefore, it has been classified as a Variant of Uncertain Significance.

Fulgent Genetics
Classification: Uncertain significance for Short-rib thoracic dysplasia 10 with or without polydactyly; Retinitis pigmentosa 71; Bardet-Biedl syndrome 20. Last evaluated: 2021-07-06. Review status: criteria provided, single submitter. Criteria: ACMG Guidelines, 2015. Collection method: clinical testing. Allele origin: unknown.

PreventionGenetics, part of Exact Sciences
Classification: Uncertain significance for IFT172-related condition. Last evaluated: 2024-07-17. Review status: no assertion criteria provided. Collection method: clinical testing. Allele origin: germline. Not counted in ClinVar's aggregate classification.
Comment: The IFT172 c.2818C>T variant is predicted to result in the amino acid substitution p.Arg940Trp. To our knowledge, this variant has not been reported in the literature. This variant is reported in 0.010% of alleles in individuals of East Asian descent in gnomAD. At this time, the clinical significance of this variant is uncertain due to the absence of conclusive functional and genetic evidence.

NM_015662.3(IFT172):c.2818C>T (p.Arg940Trp)

Genes: IFT172 (intraflagellar transport 172; minus strand), LOC126806174 (CDK7 strongly-dependent group 2 enhancer GRCh37_chr2:27681686-27682885; plus strand). Cytogenetic location: 2p23.3.
Variant type: single nucleotide variant.
Coding change: c.2818C>T on transcript NM_015662.3 (MANE Select); coding-DNA position 2818, C replaced by T.
Protein change: p.Arg940Trp; replaces arginine 940 with tryptophan.
Molecular consequence: missense variant.
Genome position (GRCh38, 1-based): chr2:27,458,838, G>A on the plus strand (C>T on the coding strand, the complement: IFT172 is on the minus strand). VCF-style: chr2-27458838-G-A. GRCh37 (hg19) VCF-style: chr2-27681705-G-A.
Other names: short protein forms R940W.
Identifiers: ClinVar variation 938752 (VCV000938752.10), dbSNP rs760316903, ClinGen allele CA1580174.